The following is an entry in ClinVar:

NC_000023.11:g.(?_2934812)_(2958455_?)del

Gene: ARSL (arylsulfatase L; minus strand). Cytogenetic location: Xp22.33.
Variant type: Deletion.
Identifiers: ClinVar variation 832204 (VCV000832204.7).

ClinVar aggregate classification (germline): Pathogenic. Review status: criteria provided, single submitter (1 of 4 stars). 2 submissions from 1 submitter: Pathogenic (2). Last evaluated 2020-01-28.

Conditions:
X-linked chondrodysplasia punctata 1 (CDPX1). Also called: CHONDRODYSPLASIA PUNCTATA, BRACHYTELEPHALANGIC; Chondrodysplasia punctata, X-linked recessive. Identifiers: Orphanet 79345, MedGen C3669395, MONDO:0010555, OMIM 302950.
Chondrodysplasia punctata, brachytelephalangic, autosomal. Also called: BRACHYTELEPHALANGIC CHONDRODYSPLASIA PUNCTATA. Identifiers: MedGen C1844853, MONDO:0011238, OMIM 602497.

Submissions (2):

Labcorp Genetics (formerly Invitae), Labcorp
Classification: Pathogenic for Chondrodysplasia punctata, brachytelephalangic, autosomal. Last evaluated: 2020-01-28. Review status: criteria provided, single submitter. Criteria: Invitae Variant Classification Sherloc (09022015). Collection method: clinical testing. Allele origin: germline.
Comment: For these reasons, this variant has been classified as Pathogenic. This variant disrupts the C-terminus of the ARSE protein. Other variant(s) that disrupt this region (p.W581*) have been determined to be pathogenic (PMID: 9863597, 12567415). This suggests that variants that disrupt this region of the protein are likely to be causative of disease. This variant has not been reported in the literature in individuals with ARSE-related conditions. This variant is a gross deletion of the genomic region encompassing exons 3-11 of the ARSE gene. The 5' boundary is likely confined to intron 2. The 3' end of this event is unknown as it extends through the termination codon beyond the assayed region for this gene and may encompass additional genes. While this deletion is not anticipated to result in nonsense mediated decay, it is expected to create a truncated protein product or disrupt mRNA translation.

Labcorp Genetics (formerly Invitae), Labcorp
Classification: Pathogenic for Chondrodysplasia punctata 1, X-linked recessive. Last evaluated: 2019-11-18. Review status: criteria provided, single submitter. Criteria: Invitae Variant Classification Sherloc (09022015). Collection method: clinical testing. Allele origin: germline.
Comment: This variant is a gross deletion of the genomic region encompassing exons 3-11 of the ARSE gene. The 5' boundary is likely confined to intron 2. The 3' end of this event is unknown as it extends through the termination codon beyond the assayed region for this gene and may encompass additional genes. While this deletion is not anticipated to result in nonsense mediated decay, it is expected to create a truncated protein product or disrupt mRNA translation. This variant has not been reported in the literature in individuals with ARSE-related conditions. This variant disrupts the C-terminus of the ARSE protein. Other variant(s) that disrupt this region (p.W581*) have been determined to be pathogenic (PMID: 9863597, 12567415). This suggests that variants that disrupt this region of the protein are likely to be causative of disease. For these reasons, this variant has been classified as Pathogenic.

Literature cited by the submitters: PubMed 9863597; PubMed 12567415.